The following is an entry in ClinVar:

ClinVar aggregate classification (germline): Pathogenic (1 of 4 stars; one submission).

Conditions:
Alagille syndrome due to a JAG1 point mutation. Also called: Alagille Syndrome 1; JAG1-Related Alagille Syndrome; HEPATIC DUCTULAR HYPOPLASIA, SYNDROMATIC. Identifiers: Orphanet 261619, Orphanet 52, MedGen C1956125, MONDO:0016862, OMIM 118450.

Submission:

Labcorp Genetics (formerly Invitae), Labcorp
Classification: Pathogenic for Alagille syndrome due to a JAG1 point mutation. Last evaluated: 2022-10-01. Review status: criteria provided, single submitter. Criteria: Invitae Variant Classification Sherloc (09022015). Collection method: clinical testing. Allele origin: germline.
Comment: This variant has not been reported in the literature in individuals affected with JAG1-related conditions. For these reasons, this variant has been classified as Pathogenic. This variant is not present in population databases (gnomAD no frequency). This sequence change creates a premature translational stop signal (p.Cys421*) in the JAG1 gene. It is expected to result in an absent or disrupted protein product. Loss-of-function variants in JAG1 are known to be pathogenic (PMID: 11180599).

Literature cited by the submitters: PubMed 11180599.

NM_000214.3(JAG1):c.1263T>A (p.Cys421Ter)

Gene: JAG1 (jagged canonical Notch ligand 1; minus strand). Cytogenetic location: 20p12.2.
Variant type: single nucleotide variant.
Coding change: c.1263T>A on transcript NM_000214.3 (MANE Select); coding-DNA position 1263, T replaced by A.
Protein change: p.Cys421Ter; replaces cysteine 421 with a stop codon.
Molecular consequence: nonsense.
Genome position (GRCh38, 1-based): chr20:10,649,607, A>T on the plus strand (T>A on the coding strand, the complement: JAG1 is on the minus strand). VCF-style: chr20-10649607-A-T. GRCh37 (hg19) VCF-style: chr20-10630255-A-T.
Other names: short protein forms C421*.
Identifiers: ClinVar variation 2807285 (VCV002807285.3), dbSNP rs1261578129, ClinGen allele CA408238278.